The following is an entry in ClinVar:

NM_000284.4(PDHA1):c.409G>C (p.Glu137Gln)

Gene: PDHA1 (pyruvate dehydrogenase E1 subunit alpha 1; plus strand). Cytogenetic location: Xp22.12.
Variant type: single nucleotide variant.
Coding change: c.409G>C on transcript NM_000284.4 (MANE Select); coding-DNA position 409, G replaced by C.
Protein change: p.Glu137Gln; replaces glutamic acid 137 with glutamine.
Molecular consequence: missense variant.
Genome position (GRCh38, 1-based): chrX:19,351,398, G>C. VCF-style: chrX-19351398-G-C. GRCh37 (hg19) VCF-style: chrX-19369516-G-C.
Other names: c.523G>C, p.Glu175Gln (NM_001173454.2); c.430G>C, p.Glu144Gln (NM_001173455.2); c.409G>C, p.Glu137Gln (NM_001173456.2); short protein forms E137Q, E144Q, E175Q.
Identifiers: ClinVar variation 4070314 (VCV004070314.1).

ClinVar aggregate classification (germline): Likely pathogenic (0 of 4 stars; one submission).

Conditions:
Pyruvate dehydrogenase E1-alpha deficiency (PDHAD). Also called: ATAXIA, INTERMITTENT, WITH PYRUVATE DEHYDROGENASE DEFICIENCY; ATAXIA WITH LACTIC ACIDOSIS I; ATAXIA, INTERMITTENT, WITH ABNORMAL PYRUVATE METABOLISM; Ataxia, intermittent, with pyruvate dehydrogenase, or decarboxylase, deficiency. Identifiers: Orphanet 79243, MedGen C1839413, MONDO:0010717, OMIM 312170.

Submission:

PDHA1 Study Group, University Children’s Hospital, Paracelsus Medical University
Classification: Likely pathogenic for Pyruvate dehydrogenase E1-alpha deficiency. Last evaluated: 2024-10-15. Review status: no assertion criteria provided. Collection method: research. Allele origin: germline. Affected: yes. Observed: 1 variant allele.
Comment: The NM_000284.3:c.409G>C (p.Glu137Gln) substitution is a missense variant in PDHA1 gene. The variant has been reported in 1 published case (PMIDs: 30634555). Last literature search: July 12, 2024. This variant is absent or extremely rare in population-based cohorts in the Genome Aggregation Database (gnomAD). Individuals harboring this variant presented with clinical features compatible with PDHA1-related PDHc deficiency. In summary, this variant meets criteria to be classified as likely pathogenic (LP) for PDHA1-related PDHc deficiency based on the ACMG/AMP criteria applied: PM1, PM2, PP3, PP4 (last assessment October 15, 2024).

Literature cited by the submitters: PubMed 30634555; DOI 10.1093/brain/awaf430.